The following is an entry in ClinVar:

ClinVar aggregate classification (germline): Uncertain significance (1 of 4 stars; one submission).

gnomAD v4.1: 4 of 1,613,890 alleles (0.00025%); highest among the groups gnomAD compares: Non-Finnish European, 0.00034%; no homozygotes.

Submission:

Labcorp Genetics (formerly Invitae), Labcorp
Classification: Uncertain significance. Last evaluated: 2025-12-15. Review status: criteria provided, single submitter. Criteria: Invitae Variant Classification Sherloc (09022015). Collection method: clinical testing. Allele origin: germline.
Comment: This sequence change replaces valine, which is neutral and non-polar, with isoleucine, which is neutral and non-polar, at codon 1097 of the ANKRD26 protein (p.Val1097Ile). This variant is present in population databases (rs767271669, gnomAD 0.002%). This variant has not been reported in the literature in individuals affected with ANKRD26-related conditions. ClinVar contains an entry for this variant (Variation ID: 3710684). An algorithm developed to predict the effect of missense changes on protein structure and function (PolyPhen-2) suggests that this variant is likely to be tolerated. In summary, the available evidence is currently insufficient to determine the role of this variant in disease. Therefore, it has been classified as a Variant of Uncertain Significance.

NM_014915.3(ANKRD26):c.3289G>A (p.Val1097Ile)

Gene: ANKRD26 (ankyrin repeat domain 26; minus strand). Cytogenetic location: 10p12.1.
Variant type: single nucleotide variant.
Coding change: c.3289G>A on transcript NM_014915.3 (MANE Select); coding-DNA position 3289, G replaced by A.
Protein change: p.Val1097Ile; replaces valine 1097 with isoleucine.
Molecular consequence: missense variant.
Genome position (GRCh38, 1-based): chr10:27,035,161, C>T on the plus strand (G>A on the coding strand, the complement: ANKRD26 is on the minus strand). VCF-style: chr10-27035161-C-T. GRCh37 (hg19) VCF-style: chr10-27324090-C-T.
Other names: c.3286G>A, p.Val1096Ile (NM_001256053.2); short protein forms V1097I, V1096I.
Identifiers: ClinVar variation 3710684 (VCV003710684.2).